The following is an entry in ClinVar:

ClinVar aggregate classification (germline): Uncertain significance (1 of 4 stars; one submission).

Submission:

Ambry Genetics
Classification: Uncertain significance. Last evaluated: 2024-10-29. Review status: criteria provided, single submitter. Criteria: Ambry Variant Classification Scheme 2023. Collection method: clinical testing. Allele origin: germline.
Comment: The p.E204V variant (also known as c.611A>T), located in coding exon 7 of the BUB1 gene, results from an A to T substitution at nucleotide position 611. The glutamic acid at codon 204 is replaced by valine, an amino acid with dissimilar properties. This amino acid position is conserved. In addition, this alteration is predicted to be tolerated by in silico analysis. Based on the available evidence, the clinical significance of this variant remains unclear.

NM_004336.5(BUB1):c.611A>T (p.Glu204Val)

Gene: BUB1 (BUB1 mitotic checkpoint serine/threonine kinase; minus strand). Cytogenetic location: 2q13.
Variant type: single nucleotide variant.
Coding change: c.611A>T on transcript NM_004336.5 (MANE Select); coding-DNA position 611, A replaced by T.
Protein change: p.Glu204Val; replaces glutamic acid 204 with valine.
Molecular consequence: missense variant.
Genome position (GRCh38, 1-based): chr2:110,667,806, T>A on the plus strand (A>T on the coding strand, the complement: BUB1 is on the minus strand). VCF-style: chr2-110667806-T-A. GRCh37 (hg19) VCF-style: chr2-111425383-T-A.
Other names: c.551A>T, p.Glu184Val (NM_001278616.2); c.611A>T, p.Glu204Val (NM_001278617.2); short protein forms E184V, E204V.
Identifiers: ClinVar variation 3483095 (VCV003483095.1).